The following is an entry in ClinVar:

NM_001370959.1(POU6F2):c.1008G>A (p.Ala336=)

Gene: POU6F2 (POU class 6 homeobox 2; plus strand). Cytogenetic location: 7p14.1.
Variant type: single nucleotide variant.
Coding change: c.1008G>A on transcript NM_001370959.1 (MANE Select); coding-DNA position 1008, G replaced by A.
Protein change: p.Ala336=; no amino-acid change (alanine 336 retained).
Molecular consequence: synonymous variant.
Genome position (GRCh38, 1-based): chr7:39,406,635, G>A. VCF-style: chr7-39406635-G-A. GRCh37 (hg19) VCF-style: chr7-39446234-G-A.
Other names: c.921G>A, p.Ala307= (NM_001166018.2, NM_007252.4).
Identifiers: ClinVar variation 3058646 (VCV003058646.2), dbSNP rs148254024, ClinGen allele CA4227696.

ClinVar aggregate classification (germline): Likely benign (0 of 4 stars; one submission).

Conditions:
POU6F2-related disorder. Also called: POU6F2-related condition.

Allele frequency attached by ClinVar (database versions not stated): ExAC 0.00006; ESP Exome Variant Server 0.00015.
gnomAD v4.1: 53 of 1,613,054 alleles (0.0033%); highest among the groups gnomAD compares: African/African-American, 0.025%; no homozygotes.

Submission:

PreventionGenetics, part of Exact Sciences
Classification: Likely benign for POU6F2-related condition. Last evaluated: 2019-05-02. Review status: no assertion criteria provided. Collection method: clinical testing. Allele origin: germline.
Comment: This variant is classified as likely benign based on ACMG/AMP sequence variant interpretation guidelines (Richards et al. 2015 PMID: 25741868, with internal and published modifications).